The following is an entry in ClinVar:

NM_005909.5(MAP1B):c.3623C>T (p.Ser1208Leu)

Gene: MAP1B (microtubule associated protein 1B; plus strand). Cytogenetic location: 5q13.2.
Variant type: single nucleotide variant.
Coding change: c.3623C>T on transcript NM_005909.5 (MANE Select); coding-DNA position 3623, C replaced by T.
Protein change: p.Ser1208Leu; replaces serine 1208 with leucine.
Molecular consequence: missense variant.
Genome position (GRCh38, 1-based): chr5:72,196,978, C>T. VCF-style: chr5-72196978-C-T. GRCh37 (hg19) VCF-style: chr5-71492805-C-T.
Other names: c.3245C>T, p.Ser1082Leu (NM_001324255.2); short protein forms S1082L, S1208L.
Identifiers: ClinVar variation 3372324 (VCV003372324.1).
Genomic context (GRCh38, chr5:72,196,978, plus strand): 5'-AAGGATCAAAAACAGATGCCACTGATGGCAAGGATTACAATGCTTCAGCCTCTACCATAT[C>T]ACCACCCTCTTCCATGGAGGAAGACAAATTCAGCAGATCTGCTTTACGTGATGCTTACTG-3'
Protein context (NP_005900.2, residues 1198-1218): KDYNASASTI[Ser1208Leu]PPSSMEEDKF

ClinVar aggregate classification (germline): Uncertain significance (1 of 4 stars; one submission).

Submission:

GeneDx
Classification: Uncertain significance. Last evaluated: 2024-04-09. Review status: criteria provided, single submitter. Criteria: GeneDx Variant Classification Process June 2021. Collection method: clinical testing. Allele origin: germline. Affected: yes.
Comment: Not observed at significant frequency in large population cohorts (gnomAD); In silico analysis supports that this missense variant has a deleterious effect on protein structure/function; Has not been previously published as pathogenic or benign to our knowledge